The following is an entry in ClinVar:

NM_019109.5(ALG1):c.961+19G>A

Gene: ALG1 (ALG1 chitobiosyldiphosphodolichol beta-mannosyltransferase; plus strand). Cytogenetic location: 16p13.3.
Variant type: single nucleotide variant.
Coding change: c.961+19G>A on transcript NM_019109.5 (MANE Select); 19 bases into the intron after coding-DNA position 961, G replaced by A.
Molecular consequence: intron variant.
Genome position (GRCh38, 1-based): chr16:5,079,826, G>A. VCF-style: chr16-5079826-G-A. GRCh37 (hg19) VCF-style: chr16-5129827-G-A.
Other names: c.628+19G>A (NM_001330504.2).
Identifiers: ClinVar variation 507931 (VCV000507931.8), dbSNP rs768688738, ClinGen allele CA7890128.
Genomic context (GRCh38, chr16:5,079,826, plus strand): 5'-TTGATGGACACAACCTTCCTTCTCTCGTCTGTGTGATAACAGGTACTGCCTGGGACCCTG[G>A]GTGTCTGTTTGGTTGGGGGATGGCGGAGGGGGAGGGGCACGCAGCCTTTACCCTGTGCTT-3'

ClinVar aggregate classification (germline): Likely benign. Review status: criteria provided, multiple submitters, no conflicts (2 of 4 stars). 2 submissions from 2 submitters: Likely benign (2). Last evaluated 2025-12-24.

Conditions:
ALG1-congenital disorder of glycosylation. Also called: ALG1-CDG; CONGENITAL DISORDER OF GLYCOSYLATION, TYPE Ik; CDG Ik. Identifiers: Orphanet 79327, MedGen C2931005, MONDO:0012052, OMIM 608540.

Allele frequency attached by ClinVar (database versions not stated): ExAC 0.00002; gnomAD 0.00002 and 0.00003; gnomAD exomes 0.00002; TOPMed 0.00002.
gnomAD v4.1: 29 of 1,611,158 alleles (0.0018%); highest among the groups gnomAD compares: Non-Finnish European, 0.0022%; no homozygotes.

Submissions (2):

Labcorp Genetics (formerly Invitae), Labcorp
Classification: Likely benign for ALG1-congenital disorder of glycosylation. Last evaluated: 2025-12-24. Review status: criteria provided, single submitter. Criteria: Invitae Variant Classification Sherloc (09022015). Collection method: clinical testing. Allele origin: germline.

GeneDx
Classification: Likely benign. Last evaluated: 2017-04-06. Review status: criteria provided, single submitter. Criteria: GeneDx Variant Classification (06012015). Collection method: clinical testing. Allele origin: germline. Affected: yes.
Comment: This variant is considered likely benign or benign based on one or more of the following criteria: it is a conservative change, it occurs at a poorly conserved position in the protein, it is predicted to be benign by multiple in silico algorithms, and/or has population frequency not consistent with disease.